The following is an entry in ClinVar:

NM_001017995.3(SH3PXD2B):c.*4035G>A

Gene: SH3PXD2B (SH3 and PX domains 2B; minus strand). Cytogenetic location: 5q35.1.
Variant type: single nucleotide variant.
Coding change: c.*4035G>A on transcript NM_001017995.3 (MANE Select); 4035 bases downstream of the stop codon, G replaced by A.
Molecular consequence: 3 prime UTR variant. On other transcripts: intron variant (1).
Genome position (GRCh38, 1-based): chr5:172,334,334, C>T on the plus strand (G>A on the coding strand, the complement: SH3PXD2B is on the minus strand). VCF-style: chr5-172334334-C-T. GRCh37 (hg19) VCF-style: chr5-171761338-C-T.
Other names: c.1189-8954G>A (NM_001308175.2).
Identifiers: ClinVar variation 352738 (VCV000352738.5), dbSNP rs17074644, ClinGen allele CA10623992.
Genomic context (GRCh38, chr5:172,334,334, plus strand): 5'-GGACTGTGGAGCCTCCGGTTCCAGCTCTGCAGCTCTGCCTGGGACCCTCGTGGAAACTTA[C>T]TCTAGTTAGGAGCAATTCCTCCAGGCCAAGAGAGGGCGCCCTGCACCCTCAGGCCTCGAT-3'

ClinVar aggregate classification (germline): Benign (1 of 4 stars; one submission).

Conditions:
Frank-Ter Haar syndrome. Also called: BORRONE DERMATOCARDIOSKELETAL SYNDROME; TER HAAR SYNDROME; MELNICK-NEEDLES SYNDROME, AUTOSOMAL RECESSIVE; Borrone di Rocco Crovato syndrome. Identifiers: Orphanet 1266, Orphanet 137834, MedGen C1855305, MONDO:0009579, OMIM 249420.

Allele frequency attached by ClinVar (database versions not stated): TOPMed 0.10196; gnomAD 0.10552 and 0.10577; 1000 Genomes Project 30x 0.10712; 1000 Genomes Project 0.11122.
gnomAD v4.1: 95,273 of 995,992 alleles (9.6%); highest among the groups gnomAD compares: African/African-American, 13%; 4,650 homozygotes.

Submission:

Illumina Laboratory Services, Illumina
Classification: Benign for Frank-Ter Haar syndrome. Last evaluated: 2018-01-13. Review status: criteria provided, single submitter. Criteria: ICSL Variant Classification Criteria 13 December 2019. Collection method: clinical testing. Allele origin: germline.
Comment: This variant was observed in the ICSL laboratory as part of a predisposition screen in an ostensibly healthy population. It had not been previously curated by ICSL or reported in the Human Gene Mutation Database (HGMD: prior to June 1st, 2018), and was therefore a candidate for classification through an automated scoring system. Utilizing variant allele frequency, disease prevalence and penetrance estimates, and inheritance mode, an automated score was calculated to assess if this variant is too frequent to cause the disease. Based on the score and internal cut-off values, a variant classified as benign is not then subjected to further curation. The score for this variant resulted in a classification of benign for this disease.